The following is an entry in ClinVar:

NM_004360.5(CDH1):c.2247G>A (p.Arg749=)

Gene: CDH1 (cadherin 1; plus strand). Cytogenetic location: 16q22.1.
Variant type: single nucleotide variant.
Coding change: c.2247G>A on transcript NM_004360.5 (MANE Select); coding-DNA position 2247, G replaced by A.
Protein change: p.Arg749=; no amino-acid change (arginine 749 retained).
Molecular consequence: synonymous variant.
Genome position (GRCh38, 1-based): chr16:68,828,256, G>A. VCF-style: chr16-68828256-G-A. GRCh37 (hg19) VCF-style: chr16-68862159-G-A.
Other names: c.2247G>A (LRG_301t1); c.2064G>A, p.Arg688= (NM_001317184.2); c.699G>A, p.Arg233= (NM_001317185.2); c.282G>A, p.Arg94= (NM_001317186.2).
Identifiers: ClinVar variation 512583 (VCV000512583.9), dbSNP rs1555517667, ClinGen allele CA496157174.
Genomic context (GRCh38, chr16:68,828,256, plus strand): 5'-GTTTCTTCGGAGGAGAGCGGTGGTCAAAGAGCCCTTACTGCCCCCAGAGGATGACACCCG[G>A]GACAACGTTTATTACTATGATGAAGAAGGAGGCGGAGAAGAGGACCAGGTGGGTTTTGAA-3'
Protein context (NP_004351.1, residues 739-759): EPLLPPEDDT[Arg749=]DNVYYYDEEG

ClinVar aggregate classification (germline): Likely benign. Review status: criteria provided, multiple submitters, no conflicts (2 of 4 stars). 2 submissions from 2 submitters: Likely benign (2). Last evaluated 2021-06-04.

Conditions:
Hereditary diffuse gastric adenocarcinoma (HDGC). Also called: DIFFUSE GASTRIC AND LOBULAR BREAST CANCER SYNDROME. Identifiers: Orphanet 26106, MedGen C1708349, MONDO:0007648, OMIM 137215.

Submissions (2):

Labcorp Genetics (formerly Invitae), Labcorp
Classification: Likely benign for Hereditary diffuse gastric adenocarcinoma. Last evaluated: 2021-06-04. Review status: criteria provided, single submitter. Criteria: Invitae Variant Classification Sherloc (09022015). Collection method: clinical testing. Allele origin: germline.

GeneDx
Classification: Likely benign. Last evaluated: 2017-10-06. Review status: criteria provided, single submitter. Criteria: GeneDx Variant Classification (06012015). Collection method: clinical testing. Allele origin: germline. Affected: yes.
Comment: This variant is considered likely benign or benign based on one or more of the following criteria: it is a conservative change, it occurs at a poorly conserved position in the protein, it is predicted to be benign by multiple in silico algorithms, and/or has population frequency not consistent with disease.